The following is an entry in ClinVar:

NM_004239.4(TRIP11):c.4159G>A (p.Glu1387Lys)

Gene: TRIP11 (thyroid hormone receptor interactor 11; minus strand). Cytogenetic location: 14q32.12.
Variant type: single nucleotide variant.
Coding change: c.4159G>A on transcript NM_004239.4 (MANE Select); coding-DNA position 4159, G replaced by A.
Protein change: p.Glu1387Lys; replaces glutamic acid 1387 with lysine.
Molecular consequence: missense variant.
Genome position (GRCh38, 1-based): chr14:92,003,817, C>T on the plus strand (G>A on the coding strand, the complement: TRIP11 is on the minus strand). VCF-style: chr14-92003817-C-T. GRCh37 (hg19) VCF-style: chr14-92470161-C-T.
Other names: c.4156G>A, p.Glu1386Lys (NM_001321851.1); short protein forms E1387K, E1386K.
Identifiers: ClinVar variation 314943 (VCV000314943.24), dbSNP rs201607866, ClinGen allele CA7313512.

ClinVar aggregate classification (germline): Conflicting classifications of pathogenicity. Review status: criteria provided, conflicting classifications (1 of 4 stars). 4 submissions from 4 submitters: Uncertain significance (1); Benign (1); Likely benign (2). Last evaluated 2025-08-31.

Conditions:
Inborn genetic diseases. Identifiers: MedGen C0950123, MeSH D030342.
Achondrogenesis, type IA (ACG1A). Identifiers: Orphanet 932, Orphanet 93299, MedGen C0265273, MONDO:0008701, OMIM 200600.

Allele frequency attached by ClinVar (database versions not stated): ExAC 0.00031; gnomAD exomes 0.00035 and 0.00009; 1000 Genomes Project 30x 0.00078; 1000 Genomes Project 0.00080; gnomAD 0.00004 and 0.00015; TOPMed 0.00014.
gnomAD v4.1: 170 of 1,614,058 alleles (0.011%); highest among the groups gnomAD compares: East Asian, 0.16%; 1 homozygote.

Submissions (4):

Labcorp Genetics (formerly Invitae), Labcorp
Classification: Benign for Achondrogenesis, type IA. Last evaluated: 2025-08-31. Review status: criteria provided, single submitter. Criteria: Invitae Variant Classification Sherloc (09022015). Collection method: clinical testing. Allele origin: germline.

Ambry Genetics
Classification: Uncertain significance for Inborn genetic diseases. Last evaluated: 2023-05-18. Review status: criteria provided, single submitter. Criteria: Ambry Variant Classification Scheme 2023. Collection method: clinical testing. Allele origin: germline.

Illumina Laboratory Services, Illumina
Classification: Likely benign for Achondrogenesis, type IA. Last evaluated: 2018-01-12. Review status: criteria provided, single submitter. Criteria: ICSL Variant Classification Criteria 13 December 2019. Collection method: clinical testing. Allele origin: germline.
Comment: This variant was observed in the ICSL laboratory as part of a predisposition screen in an ostensibly healthy population. It had not been previously curated by ICSL or reported in the Human Gene Mutation Database (HGMD: prior to June 1st, 2018), and was therefore a candidate for classification through an automated scoring system. Utilizing variant allele frequency, disease prevalence and penetrance estimates, and inheritance mode, an automated score was calculated to assess if this variant is too frequent to cause the disease. Based on the score and internal cut-off values, a variant classified as likely benign is not then subjected to further curation. The score for this variant resulted in a classification of likely benign for this disease.

ARUP Laboratories, Molecular Genetics and Genomics, ARUP Laboratories
Classification: Likely benign. Last evaluated: 2017-04-11. Review status: criteria provided, single submitter. Criteria: ARUP Molecular Germline Variant Investigation Process. Collection method: clinical testing. Allele origin: germline.